The following is an entry in ClinVar:

ClinVar aggregate classification (germline): Likely benign (1 of 4 stars; one submission).

Allele frequency attached by ClinVar (database versions not stated): gnomAD 0.00001.
gnomAD v4.1: 17 of 1,614,020 alleles (0.0011%); highest among the groups gnomAD compares: South Asian, 0.0033%; 1 homozygote.

Submission:

CeGaT Center for Human Genetics Tuebingen
Classification: Likely benign. Last evaluated: 2022-08-01. Review status: criteria provided, single submitter. Criteria: CeGaT Center For Human Genetics Tuebingen Variant Classification Criteria Version 2. Collection method: clinical testing. Allele origin: germline. Affected: yes. Observed: 1 variant allele.
Comment: BCL11A: BP4

NM_022893.4(BCL11A):c.2373G>A (p.Thr791=)

Gene: BCL11A (BCL11 transcription factor A; minus strand). Cytogenetic location: 2p16.1.
Variant type: single nucleotide variant.
Coding change: c.2373G>A on transcript NM_022893.4 (MANE Select); coding-DNA position 2373, G replaced by A.
Protein change: p.Thr791=; no amino-acid change (threonine 791 retained).
Molecular consequence: synonymous variant. On other transcripts: intron variant (13).
Genome position (GRCh38, 1-based): chr2:60,460,539, C>T on the plus strand (G>A on the coding strand, the complement: BCL11A is on the minus strand). VCF-style: chr2-60460539-C-T. GRCh37 (hg19) VCF-style: chr2-60687674-C-T.
Other names: c.2271G>A, p.Thr757= (NM_001363864.1, NM_001365609.1, NM_001405711.1 and 1 more transcripts); c.2373G>A, p.Thr791= (NM_001405708.1, NM_001405709.1, NM_001405710.1); c.2217G>A, p.Thr739= (NM_001405713.1, NM_001405714.1, NM_001405715.1 and 1 more transcripts); c.2115G>A, p.Thr705= (NM_001405717.1, NM_001405718.1); c.2040G>A, p.Thr680= (NM_001405720.1, NM_001405721.1); c.1917G>A, p.Thr639= (NM_001405725.1, NM_001405726.1, NM_001405727.1 and 1 more transcripts); c.1680G>A, p.Thr560= (NM_001405729.1); c.630+1743G>A (NM_138559.2, NM_001405732.1); and 9 more.
Identifiers: ClinVar variation 2650960 (VCV002650960.24), dbSNP rs747182581, ClinGen allele CA426416521.